The following is an entry in ClinVar:

NM_198576.4(AGRN):c.4999G>A (p.Val1667Met)

Gene: AGRN (agrin; plus strand). Cytogenetic location: 1p36.33.
Variant type: single nucleotide variant.
Coding change: c.4999G>A on transcript NM_198576.4 (MANE Select); coding-DNA position 4999, G replaced by A.
Protein change: p.Val1667Met; replaces valine 1667 with methionine.
Molecular consequence: missense variant.
Genome position (GRCh38, 1-based): chr1:1,050,449, G>A. VCF-style: chr1-1050449-G-A. GRCh37 (hg19) VCF-style: chr1-985829-G-A.
Other names: c.4999G>A, p.Val1667Met (NM_001305275.2); c.4684G>A, p.Val1562Met (NM_001364727.2); short protein forms V1562M, V1667M.
Identifiers: ClinVar variation 1284257 (VCV001284257.10), dbSNP rs770750909, ClinGen allele CA509819.
Genomic context (GRCh38, chr1:1,050,449, plus strand): 5'-GGGGACAGCAAAGACACCCCGACTCCCCATGACCCCAGGGAGAAGATGGCGCTGGAGGTC[G>A]TGTTCCTGGCACGAGGCCCCAGCGGCCTCCTGCTCTACAACGGGCAGAAGACGGACGGCA-3'
Protein context (NP_940978.2, residues 1657-1677): DLGEKMALEV[Val1667Met]FLARGPSGLL

ClinVar aggregate classification (germline): Uncertain significance. Review status: criteria provided, multiple submitters, no conflicts (2 of 4 stars). 4 submissions from 4 submitters: Uncertain significance (3). 1 of the submissions does not count toward it. Last evaluated 2025-09-01.

Conditions:
Congenital myasthenic syndrome 8. Also called: Myasthenic syndrome, congenital, 8, with pre- and postsynaptic defects; MYASTHENIC SYNDROME, CONGENITAL, DUE TO AGRIN DEFICIENCY. Identifiers: Orphanet 590, MedGen C3808739, MONDO:0014052, OMIM 615120.

Allele frequency attached by ClinVar (database versions not stated): gnomAD exomes 0.00002 and 0.00003; ExAC 0.00003; gnomAD 0.00003; TOPMed 0.00003.

Submissions (4):

CeGaT Center for Human Genetics Tuebingen
Classification: Uncertain significance. Last evaluated: 2025-09-01. Review status: criteria provided, single submitter. Criteria: CeGaT Center For Human Genetics Tuebingen Variant Classification Criteria Version 2. Collection method: clinical testing. Allele origin: germline. Affected: yes. Observed: 1 variant allele.
Comment: AGRN: PM2

GeneDx
Classification: Uncertain significance. Last evaluated: 2024-01-09. Review status: criteria provided, single submitter. Criteria: GeneDx Variant Classification Process June 2021. Collection method: clinical testing. Allele origin: germline. Affected: yes.
Comment: Reported in the published literature in a patient with congenital myasthenia who also harbors and additional missense variant in the AGRN gene (PMID: 35670010); Not observed at significant frequency in large population cohorts (gnomAD); In silico analysis supports that this missense variant does not alter protein structure/function; This variant is associated with the following publications: (PMID: 35670010)

Labcorp Genetics (formerly Invitae), Labcorp
Classification: Uncertain significance for Congenital myasthenic syndrome 8. Last evaluated: 2023-08-17. Review status: criteria provided, single submitter. Criteria: Invitae Variant Classification Sherloc (09022015). Collection method: clinical testing. Allele origin: germline.
Comment: This sequence change replaces valine, which is neutral and non-polar, with methionine, which is neutral and non-polar, at codon 1667 of the AGRN protein (p.Val1667Met). This variant is present in population databases (rs770750909, gnomAD 0.006%). This missense change has been observed in individual(s) with clinical features of AGRN-related conditions (PMID: 35670010). ClinVar contains an entry for this variant (Variation ID: 1284257). An algorithm developed to predict the effect of missense changes on protein structure and function (PolyPhen-2) suggests that this variant is likely to be disruptive. In summary, the available evidence is currently insufficient to determine the role of this variant in disease. Therefore, it has been classified as a Variant of Uncertain Significance.

Department of Neurology, Xiangya Hospital Central South University
Classification: Pathogenic for Congenital myasthenic syndrome 8. Last evaluated: 2021-09-22. Review status: no assertion criteria provided. Collection method: clinical testing. Allele origin: germline. Affected: yes. Not counted in ClinVar's aggregate classification.

Literature cited by the submitters: PubMed 35670010 (cited by Labcorp Genetics (formerly Invitae), Labcorp).